The following is an entry in ClinVar:

NM_001142800.2(EYS):c.3250A>C (p.Thr1084Pro)

Gene: EYS (EGF-like photoreceptor maintenance factor; minus strand). Cytogenetic location: 6q12.
Variant type: single nucleotide variant.
Coding change: c.3250A>C on transcript NM_001142800.2 (MANE Select); coding-DNA position 3250, A replaced by C.
Protein change: p.Thr1084Pro; replaces threonine 1084 with proline.
Molecular consequence: missense variant.
Genome position (GRCh38, 1-based): chr6:64,813,571, T>G on the plus strand (A>C on the coding strand, the complement: EYS is on the minus strand). VCF-style: chr6-64813571-T-G. GRCh37 (hg19) VCF-style: chr6-65523464-T-G.
Other names: c.3250A>C, p.Thr1084Pro (NM_001292009.2); short protein forms T1084P.
Identifiers: ClinVar variation 195666 (VCV000195666.20), dbSNP rs778646190, ClinGen allele CA242183.

ClinVar aggregate classification (germline): Conflicting classifications of pathogenicity. Review status: criteria provided, conflicting classifications (1 of 4 stars). 8 submissions from 8 submitters: Uncertain significance (4); Likely benign (1). 3 of the submissions do not count toward it. Last evaluated 2026-01-27.

Conditions:
EYS-related disorder. Also called: EYS-related condition.
Autosomal recessive retinitis pigmentosa. Identifiers: MedGen C0339526.
Retinitis pigmentosa 25 (RP25). Identifiers: Orphanet 791, MedGen C1864446, MONDO:0011272, OMIM 602772.

Allele frequency attached by ClinVar (database versions not stated): gnomAD exomes 0.00008; ExAC 0.00015; gnomAD 0.00044 and 0.00049; TOPMed 0.00053.
gnomAD v4.1: 125 of 1,544,648 alleles (0.0081%); highest among the groups gnomAD compares: African/African-American, 0.13%; no homozygotes.

Submissions (8):

Labcorp Genetics (formerly Invitae), Labcorp
Classification: Uncertain significance. Last evaluated: 2026-01-27. Review status: criteria provided, single submitter. Criteria: Invitae Variant Classification Sherloc (09022015). Collection method: clinical testing. Allele origin: germline.
Comment: This sequence change replaces threonine, which is neutral and polar, with proline, which is neutral and non-polar, at codon 1084 of the EYS protein (p.Thr1084Pro). This variant is present in population databases (rs778646190, gnomAD 0.1%). This missense change has been observed in individual(s) with retinal disease. However, this variant has frequently been identified on the same chromosome as other EYS variants, making its clinical significance uncertain (PMID: 25097241, 26667666, 29550188). ClinVar contains an entry for this variant (Variation ID: 195666). Invitae Evidence Modeling of protein sequence and biophysical properties (such as structural, functional, and spatial information, amino acid conservation, physicochemical variation, residue mobility, and thermodynamic stability) indicates that this missense variant is not expected to disrupt EYS protein function with a negative predictive value of 80%. In summary, the available evidence is currently insufficient to determine the role of this variant in disease. Therefore, it has been classified as a Variant of Uncertain Significance.

GeneDx
Classification: Uncertain significance. Last evaluated: 2025-02-13. Review status: criteria provided, single submitter. Criteria: GeneDx Variant Classification Process June 2021. Collection method: clinical testing. Allele origin: germline. Affected: yes.
Comment: Reported in the homozygous state in patients with retinitis pigmentosa in published literature, however, these individuals were also homozygous for the c.3443+1G>T pathogenic variant in the EYS gene (PMID: 26667666, 29550188); In silico analysis indicates that this missense variant does not alter protein structure/function; This variant is associated with the following publications: (PMID: 36819107, 31736247, 39588395, 25097241, 29550188, 26667666)

Blueprint Genetics
Classification: Likely benign. Last evaluated: 2024-07-19. Review status: criteria provided, single submitter. Criteria: ACMG Guidelines, 2015. Collection method: clinical testing. Allele origin: germline.

Mendelics
Classification: Uncertain significance for Retinitis pigmentosa 25. Last evaluated: 2019-05-28. Review status: criteria provided, single submitter. Criteria: Mendelics Assertion Criteria 2017. Collection method: clinical testing. Allele origin: unknown.

Eurofins Ntd Llc (ga)
Classification: Uncertain significance. Last evaluated: 2015-01-20. Review status: criteria provided, single submitter. Criteria: EGL Classification Definitions 2015. Collection method: clinical testing. Allele origin: germline. Observed: 1 variant allele, 1 heterozygote.

PreventionGenetics, part of Exact Sciences
Classification: Uncertain significance for EYS-related condition. Last evaluated: 2024-09-16. Review status: no assertion criteria provided. Collection method: clinical testing. Allele origin: germline. Not counted in ClinVar's aggregate classification.
Comment: The EYS c.3250A>C variant is predicted to result in the amino acid substitution p.Thr1084Pro. This variant has been reported in individuals with retinitis pigmentosa; however, in several of these cases it was determined to be on the same allele (in cis) with the pathogenic variant c.3443+1G>T as well as the uncertain missense variant c.4402G>C (p.Asp1468His) (Wang et al. 2014. PubMed ID: 25097241; Ge et al. 2015. PubMed ID: 26667666; Sengillo et al. 2018. PubMed ID: 29550188). This variant is reported in 0.15% of alleles in individuals of African descent in gnomAD. Although we suspect that this variant may be benign by itself, at this time, the clinical significance of this variant is uncertain due to the absence of conclusive functional and genetic evidence.

Natera, Inc.
Classification: Uncertain significance for Autosomal recessive retinitis pigmentosa. Last evaluated: 2020-08-31. Review status: no assertion criteria provided. Collection method: clinical testing. Allele origin: germline. Not counted in ClinVar's aggregate classification.

Counsyl
Classification: Uncertain significance for Retinitis pigmentosa 25. Last evaluated: 2018-03-06. Review status: no assertion criteria provided. Collection method: clinical testing. Allele origin: unknown. Not counted in ClinVar's aggregate classification.

Literature cited by the submitters: PubMed 25097241 (cited by Labcorp Genetics (formerly Invitae), Labcorp and Counsyl); PubMed 26667666 (cited by Labcorp Genetics (formerly Invitae), Labcorp and Counsyl); PubMed 29550188 (cited by Labcorp Genetics (formerly Invitae), Labcorp).